The following is an entry in ClinVar:

NM_053025.4(MYLK):c.608C>T (p.Pro203Leu)

Gene: MYLK (myosin light chain kinase; minus strand). Cytogenetic location: 3q21.1.
Variant type: single nucleotide variant.
Coding change: c.608C>T on transcript NM_053025.4 (MANE Select); coding-DNA position 608, C replaced by T.
Protein change: p.Pro203Leu; replaces proline 203 with leucine.
Molecular consequence: missense variant.
Genome position (GRCh38, 1-based): chr3:123,737,524, G>A on the plus strand (C>T on the coding strand, the complement: MYLK is on the minus strand). VCF-style: chr3-123737524-G-A. GRCh37 (hg19) VCF-style: chr3-123456371-G-A.
Other names: c.80C>T, p.Pro27Leu (NM_001321309.2); c.608C>T, p.Pro203Leu (NM_053026.4, NM_053027.4, NM_053028.4); short protein forms P27L, P203L.
Identifiers: ClinVar variation 1046433 (VCV001046433.12), dbSNP rs772426809, ClinGen allele CA82944776.
Genomic context (GRCh38, chr3:123,737,524, plus strand): 5'-ACTCCATGGATTTCCAGAACCTGCATGCCGTTCTTCTCAGACACAGACACACGGGCACTC[G>A]GCTGCAGTGGAACATTTCCCTGTGGATGGCAATGGGGTAACTTGGTCATACAAATCTGCT-3'
Protein context (NP_444253.3, residues 193-213): TWLKGNVPLQ[Pro203Leu]SARVSVSEKN

ClinVar aggregate classification (germline): Uncertain significance. Review status: criteria provided, multiple submitters, no conflicts (2 of 4 stars). 4 submissions from 4 submitters: Uncertain significance (3). 1 of the submissions does not count toward it. Last evaluated 2024-12-25.

Conditions:
MYLK-related disorder. Also called: MYLK-related condition.
Aortic aneurysm, familial thoracic 7 (AAT7). Also called: AORTIC DISSECTION, FAMILIAL, WITH OR WITHOUT AORTIC ANEURYSM. Identifiers: MedGen C3151077, MONDO:0013418, OMIM 613780.

Allele frequency attached by ClinVar (database versions not stated): TOPMed 0.00001.
gnomAD v4.1: 37 of 1,613,992 alleles (0.0023%); highest among the groups gnomAD compares: South Asian, 0.0055%; no homozygotes.

Submissions (4):

Labcorp Genetics (formerly Invitae), Labcorp
Classification: Uncertain significance for Aortic aneurysm, familial thoracic 7. Last evaluated: 2024-12-25. Review status: criteria provided, single submitter. Criteria: Invitae Variant Classification Sherloc (09022015). Collection method: clinical testing. Allele origin: germline.
Comment: This sequence change replaces proline, which is neutral and non-polar, with leucine, which is neutral and non-polar, at codon 203 of the MYLK protein (p.Pro203Leu). This variant is present in population databases (no rsID available, gnomAD 0.004%). This variant has not been reported in the literature in individuals affected with MYLK-related conditions. ClinVar contains an entry for this variant (Variation ID: 1046433). Invitae Evidence Modeling of protein sequence and biophysical properties (such as structural, functional, and spatial information, amino acid conservation, physicochemical variation, residue mobility, and thermodynamic stability) indicates that this missense variant is not expected to disrupt MYLK protein function with a negative predictive value of 95%. In summary, the available evidence is currently insufficient to determine the role of this variant in disease. Therefore, it has been classified as a Variant of Uncertain Significance.

Department of Pathology and Laboratory Medicine, Sinai Health System
Classification: Uncertain significance for Aortic aneurysm, familial thoracic 7. Last evaluated: 2022-07-21. Review status: criteria provided, single submitter. Criteria: ACMG Guidelines, 2015. Collection method: research. Allele origin: germline.

GeneDx
Classification: Uncertain significance. Last evaluated: 2019-07-03. Review status: criteria provided, single submitter. Criteria: GeneDx Variant Classification Process June 2021. Collection method: clinical testing. Allele origin: germline. Affected: yes.
Comment: Identified in one individual with TAAD in published literature (Poninska et al., 2016); family studies were reportedly ambiguous although further details were not available; Reported in ClinVar as a variant of uncertain significance but additional evidence is not available (ClinVar Variant ID# 471740; Landrum et al., 2016); Not observed at a significant frequency in large population cohorts (Lek et al., 2016); In silico analysis, which includes protein predictors and evolutionary conservation, supports a deleterious effect; This variant is associated with the following publications: (PMID: 27146836)

PreventionGenetics, part of Exact Sciences
Classification: Uncertain significance for MYLK-related condition. Last evaluated: 2023-10-25. Review status: no assertion criteria provided. Collection method: clinical testing. Allele origin: germline. Not counted in ClinVar's aggregate classification.
Comment: The MYLK c.608C>T variant is predicted to result in the amino acid substitution p.Pro203Leu. This variant was reported as uncertain significance in an individual with thoracic aortic aneurysms and dissections (Poninska et al. 2016. PubMed ID: 27146836). This variant is reported in 0.0040% of alleles in individuals of European (Finnish) descent in gnomAD. At this time, the clinical significance of this variant is uncertain due to the absence of conclusive functional and genetic evidence.